The following is an entry in ClinVar:

NM_000278.5(PAX2):c.239C>T (p.Pro80Leu)

Gene: PAX2 (paired box 2; plus strand). Cytogenetic location: 10q24.31.
Variant type: single nucleotide variant.
Coding change: c.239C>T on transcript NM_000278.5 (MANE Select); coding-DNA position 239, C replaced by T.
Protein change: p.Pro80Leu; replaces proline 80 with leucine.
Molecular consequence: missense variant.
Genome position (GRCh38, 1-based): chr10:100,750,720, C>T. VCF-style: chr10-100750720-C-T. GRCh37 (hg19) VCF-style: chr10-102510477-C-T.
Other names: c.332C>T, p.Pro111Leu (NM_001304569.2); c.239C>T, p.Pro80Leu (NM_003987.5, NM_003988.5, NM_003989.5 and 1 more transcripts); c.239C>T (NM_003990.3); short protein forms P80L, P111L.
Identifiers: ClinVar variation 465775 (VCV000465775.11), dbSNP rs1554856032, ClinGen allele CA378257841.

ClinVar aggregate classification (germline): Pathogenic/Likely pathogenic. Review status: criteria provided, multiple submitters, no conflicts (2 of 4 stars). 5 submissions from 5 submitters: Pathogenic (2); Likely pathogenic (3). Last evaluated 2025-06-20.

Conditions:
Autosomal dominant PAX2-related disorders.
Renal coloboma syndrome (PAPRS). Also called: PAPILLORENAL SYNDROME WITH MILD OCULAR ABNORMALITIES; CONGENITAL ANOMALIES OF THE KIDNEY AND URINARY TRACT WITH OR WITHOUT OCULAR ABNORMALITIES; CAKUT WITH OR WITHOUT OCULAR ABNORMALITIES; PAPILLORENAL SYNDROME; COLOBOMA OF OPTIC NERVE WITH RENAL DISEASE; OPTIC COLOBOMA, VESICOURETERAL REFLUX, AND RENAL ANOMALIES. Identifiers: Orphanet 1475, MedGen C1852759, MONDO:0007352, OMIM 120330.
Focal segmental glomerulosclerosis 7 (FSGS7). Identifiers: Orphanet 656, MedGen C4014925, MONDO:0014451, OMIM 616002.

Submissions (5):

Variantyx, Inc.
Classification: Pathogenic for Autosomal dominant PAX2-related disorders. Last evaluated: 2025-06-20. Review status: criteria provided, single submitter. Criteria: Variantyx Assertion Criteria 2022. Collection method: clinical testing. Allele origin: germline. Inheritance: Autosomal dominant inheritance. Affected: yes.
Comment: This is a nonsynonymous variant in the PAX2 gene (OMIM: 167409). Pathogenic variants in this gene have been associated with autosomal dominant PAX2-related disorders. This variant has been reported in at least 1oneaffected individual (PMID: 24676634) (PS4). Functional studies have shown that this variant alters PAX2 protein function (PMID: 24676634) (PS3_Moderate) and multiple computational algorithms predict a deleterious effect for this variant (REVEL score: 0.935) (PP3).Moreover, the variant lies within a known hotspot for pathogenic variants or a well-established critical functional domain of the PAX2 protein (PMID: 9760197, 22213154, 32776440) (PM1). This variant is absent from control populations (PM2). Based on the current evidence, this variant is classified as lpathogenic for autosomal dominant PAX2-related disorders.

Fulgent Genetics
Classification: Likely pathogenic for Renal coloboma syndrome; Focal segmental glomerulosclerosis 7. Last evaluated: 2024-05-29. Review status: criteria provided, single submitter. Criteria: ACMG Guidelines, 2015. Collection method: clinical testing. Allele origin: germline.

GeneDx
Classification: Likely pathogenic. Last evaluated: 2024-03-04. Review status: criteria provided, single submitter. Criteria: GeneDx Variant Classification Process June 2021. Collection method: clinical testing. Allele origin: germline. Affected: yes.
Comment: Identified in patients with PAX2-related disorders referred for genetic testing at GeneDx and in published literature (PMID: 24676634, 32203253); Published functional studies suggest this variant reduces DNA binding affinity to a target promoter sequence (PMID: 24676634); Not observed at significant frequency in large population cohorts (gnomAD); In silico analysis supports that this missense variant has a deleterious effect on protein structure/function; This variant is associated with the following publications: (PMID: 24676634, 32203253)

Revvity Omics, Revvity
Classification: Likely pathogenic. Last evaluated: 2023-01-18. Review status: criteria provided, single submitter. Criteria: ACMG Guidelines, 2015. Collection method: clinical testing. Allele origin: germline.

Labcorp Genetics (formerly Invitae), Labcorp
Classification: Pathogenic for Renal coloboma syndrome; Focal segmental glomerulosclerosis 7. Last evaluated: 2021-08-12. Review status: criteria provided, single submitter. Criteria: Invitae Variant Classification Sherloc (09022015). Collection method: clinical testing. Allele origin: germline.

Literature cited by the submitters: PubMed 9760197 (cited by Variantyx, Inc.); PubMed 22213154 (cited by Variantyx, Inc.); PubMed 32776440 (cited by Variantyx, Inc.); PubMed 24676634 (cited by Variantyx, Inc.); PubMed 32203253 (cited by Variantyx, Inc.).